The following is an entry in ClinVar:

ClinVar aggregate classification (germline): Uncertain significance (1 of 4 stars; one submission).

Conditions:
Intellectual developmental disorder, autosomal dominant 45. Also called: MENTAL RETARDATION, AUTOSOMAL DOMINANT 45; Intellectual disability, autosomal dominant 45. Identifiers: MedGen C4539848, MONDO:0030910, OMIM 617600.

Allele frequency attached by ClinVar (database versions not stated): gnomAD 0.00001.

Submission:

Victorian Clinical Genetics Services, Murdoch Childrens Research Institute
Classification: Uncertain significance for Intellectual developmental disorder, autosomal dominant 45. Last evaluated: 2020-10-19. Review status: criteria provided, single submitter. Criteria: ACMG Guidelines, 2015. Collection method: clinical testing. Allele origin: germline. Inheritance: Autosomal dominant inheritance. Affected: yes.
Comment: Based on the classification scheme VCGS_Germline_v1.3.3, this variant is classified as 3C-VUS. Following criteria are met: 0102 - Loss of function is a known mechanism of disease in this gene and is associated with CIC-related intellectual disability. (I) 0107 - This gene is associated with autosomal dominant disease. (I) 0200 - Variant is predicted to result in a missense amino acid change from proline to threonine. (I) 0219 - This variant is non-coding in an alternative transcript, which is the predominantly reported (ClinVar). (I) 0251 - This variant is heterozygous. (I) 0302 - Variant is present in gnomAD (v3) <0.001 for a dominant condition (1 heterozygote, 0 homozygotes). (SP) 0503 - Missense variant consistently predicted to be tolerated by multiple in silico tools or not conserved in placental mammals with a minor amino acid change. (SB) 0604 - Variant is not located in an established domain, motif, hotspot or informative constraint region. (I) 0705 - No comparable missense variants in the same codon have previous evidence for pathogenicity. (I) 0807 - This variant has no previous evidence of pathogenicity. (I) 0905 - No published segregation evidence has been identified for this variant. (I) 1007 - No published functional evidence has been identified for this variant. (I) 1208 - Inheritance information for this variant is not currently available in this individual. (I) Legend: (SP) - Supporting pathogenic, (I) - Information, (SB) - Supporting benign

NM_001386298.1(CIC):c.226C>A (p.Pro76Thr)

Gene: CIC (capicua transcriptional repressor; plus strand). Cytogenetic location: 19q13.2.
Variant type: single nucleotide variant.
Coding change: c.226C>A on transcript NM_001386298.1 (MANE Select); coding-DNA position 226, C replaced by A.
Protein change: p.Pro76Thr; replaces proline 76 with threonine.
Molecular consequence: missense variant.
Genome position (GRCh38, 1-based): chr19:42,272,009, C>A. VCF-style: chr19-42272009-C-A. GRCh37 (hg19) VCF-style: chr19-42776161-C-A.
Other names: c.226C>A, p.Pro76Thr (NM_001304815.2, NM_001379480.1, NM_001379482.1 and 1 more transcripts); short protein forms P76T.
Identifiers: ClinVar variation 1805295 (VCV001805295.1), dbSNP rs1282025666, ClinGen allele CA406078779.
Genomic context (GRCh38, chr19:42,272,009, plus strand): 5'-CCCGAAGAGGCTGAGGAAGGGGAGGAGGAGGAGGCTGAGCGGGGCCCTGGGGCTGAAGGT[C>A]CTCCACTGGAGCTGCACCCTGGCGACCCGGCTCCAGGCCCAGCAGAGGACCCCAAAGGGG-3'
Protein context (NP_001373227.1, residues 66-86): EAERGPGAEG[Pro76Thr]PLELHPGDPA